The following is an entry in ClinVar:

NM_014023.4(WDR37):c.935C>T (p.Thr312Met)

Gene: WDR37 (WD repeat domain 37; plus strand). Cytogenetic location: 10p15.3.
Variant type: single nucleotide variant.
Coding change: c.935C>T on transcript NM_014023.4 (MANE Select); coding-DNA position 935, C replaced by T.
Protein change: p.Thr312Met; replaces threonine 312 with methionine.
Molecular consequence: missense variant.
Genome position (GRCh38, 1-based): chr10:1,103,810, C>T. VCF-style: chr10-1103810-C-T. GRCh37 (hg19) VCF-style: chr10-1149750-C-T.
Other names: short protein forms T312M.
Identifiers: ClinVar variation 4076322 (VCV004076322.1).

ClinVar aggregate classification (germline): Uncertain significance (1 of 4 stars; one submission).

Conditions:
Neurooculocardiogenitourinary syndrome. Identifiers: Orphanet 684305, MedGen C5231443, MONDO:0032850, OMIM 618652.

gnomAD v4.1: 4 of 1,614,192 alleles (0.00025%); highest among the groups gnomAD compares: East Asian, 0.0022%; no homozygotes.

Submission:

Laboratorio de Genetica e Diagnostico Molecular, Hospital Israelita Albert Einstein
Classification: Uncertain significance for Neurooculocardiogenitourinary syndrome. Last evaluated: 2023-06-15. Review status: criteria provided, single submitter. Criteria: ACMG Guidelines, 2015. Collection method: clinical testing. Allele origin: germline. Affected: yes.
Comment: ACMG classification criteria: PM2 supporting